The following is an entry in ClinVar:

NM_000138.5(FBN1):c.8047_8051+1del

Gene: FBN1 (fibrillin 1; minus strand). Cytogenetic location: 15q21.1.
Variant type: Deletion.
Coding change: c.8047_8051+1del on transcript NM_000138.5 (MANE Select); coding-DNA position 8047 through the canonical splice donor site of the intron after coding-DNA position 8051, 6 bases deleted (CAAGGG; older notation c.8047_8051+1delCAAGGG).
Molecular consequence: splice donor variant.
Genome position (GRCh38, 1-based): chr15:48,415,535-48,415,540, CCCTTG deleted on the plus strand (CAAGGG on the coding strand, the reverse complement: FBN1 is on the minus strand). VCF-style (leftmost placement, unchanged base first): chr15-48415534-ACCCTTG-A. GRCh37 (hg19) VCF-style: chr15-48707731-ACCCTTG-A.
Other names: c.8047_8051+1del (NM_001406716.1).
Identifiers: ClinVar variation 3778468 (VCV003778468.7).

ClinVar aggregate classification (germline): Pathogenic (1 of 4 stars; one submission).

Submission:

CeGaT Center for Human Genetics Tuebingen
Classification: Pathogenic. Last evaluated: 2025-03-01. Review status: criteria provided, single submitter. Criteria: CeGaT Center For Human Genetics Tuebingen Variant Classification Criteria Version 2. Collection method: clinical testing. Allele origin: germline. Affected: yes. Observed: 1 variant allele.
Comment: FBN1: PVS1, PM2